The following is an entry in ClinVar:

ClinVar aggregate classification (germline): Likely benign (1 of 4 stars; one submission).

Conditions:
KMT2D-related disorder. Also called: KMT2D-Related Disorders.

Submission:

PreventionGenetics, part of Exact Sciences
Classification: Likely benign for KMT2D-related condition. Last evaluated: 2025-05-07. Review status: criteria provided, single submitter. Criteria: ACMG Guidelines, 2015. Collection method: clinical testing. Allele origin: germline.
Comment: This variant is classified as likely benign based on ACMG/AMP sequence variant interpretation guidelines (Richards et al. 2015 PMID: 25741868, with internal and published modifications).

NM_003482.4(KMT2D):c.7839G>T (p.Pro2613=)

Gene: KMT2D (lysine methyltransferase 2D; minus strand). Cytogenetic location: 12q13.12.
Variant type: single nucleotide variant.
Coding change: c.7839G>T on transcript NM_003482.4 (MANE Select); coding-DNA position 7839, G replaced by T.
Protein change: p.Pro2613=; no amino-acid change (proline 2613 retained).
Molecular consequence: synonymous variant.
Genome position (GRCh38, 1-based): chr12:49,039,931, C>A on the plus strand (G>T on the coding strand, the complement: KMT2D is on the minus strand). VCF-style: chr12-49039931-C-A. GRCh37 (hg19) VCF-style: chr12-49433714-C-A.
Identifiers: ClinVar variation 4997907 (VCV004997907.1).